The following is an entry in ClinVar:

ClinVar aggregate classification (germline): Conflicting classifications of pathogenicity. Review status: criteria provided, conflicting classifications (1 of 4 stars). 5 submissions from 5 submitters: Uncertain significance (1); Benign (1); Likely benign (2). 1 of the submissions does not count toward it. Last evaluated 2026-01-16.

Conditions:
Exostoses, multiple, type 2 (EXT2). Also called: Hereditary Multiple Osteochondromatosis, Type II; EXOSTOSES, MULTIPLE, TYPE II. Identifiers: Orphanet 321, MedGen C1851413, MONDO:0007586, OMIM 133701.
EXT2-related disorder. Also called: EXT2-related condition.

Allele frequency attached by ClinVar (database versions not stated): gnomAD 0.00025 and 0.00027; ExAC 0.00026; ESP Exome Variant Server 0.00038; TOPMed 0.00026.
gnomAD v4.1: 791 of 1,613,936 alleles (0.049%); highest among the groups gnomAD compares: Middle Eastern, 0.082%; no homozygotes.

Submissions (5):

Labcorp Genetics (formerly Invitae), Labcorp
Classification: Likely benign for Exostoses, multiple, type 2. Last evaluated: 2026-01-16. Review status: criteria provided, single submitter. Criteria: Invitae Variant Classification Sherloc (09022015). Collection method: clinical testing. Allele origin: germline.

Blueprint Genetics
Classification: Likely benign. Last evaluated: 2024-10-16. Review status: criteria provided, single submitter. Criteria: ACMG Guidelines, 2015. Collection method: clinical testing. Allele origin: germline.

Illumina Laboratory Services, Illumina
Classification: Benign for Exostoses, multiple, type 2. Last evaluated: 2018-01-12. Review status: criteria provided, single submitter. Criteria: ICSL Variant Classification Criteria 13 December 2019. Collection method: clinical testing. Allele origin: germline.
Comment: This variant was observed in the ICSL laboratory as part of a predisposition screen in an ostensibly healthy population. It had not been previously curated by ICSL or reported in the Human Gene Mutation Database (HGMD: prior to June 1st, 2018), and was therefore a candidate for classification through an automated scoring system. Utilizing variant allele frequency, disease prevalence and penetrance estimates, and inheritance mode, an automated score was calculated to assess if this variant is too frequent to cause the disease. Based on the score and internal cut-off values, a variant classified as benign is not then subjected to further curation. The score for this variant resulted in a classification of benign for this disease.

Eurofins Ntd Llc (ga)
Classification: Uncertain significance. Last evaluated: 2016-09-01. Review status: criteria provided, single submitter. Criteria: EGL Classification Definitions 2015. Collection method: clinical testing. Allele origin: germline. Observed: 1 variant allele, 1 heterozygote.

PreventionGenetics, part of Exact Sciences
Classification: Likely benign for EXT2-related condition. Last evaluated: 2022-11-24. Review status: no assertion criteria provided. Collection method: clinical testing. Allele origin: germline. Not counted in ClinVar's aggregate classification.
Comment: This variant is classified as likely benign based on ACMG/AMP sequence variant interpretation guidelines (Richards et al. 2015 PMID: 25741868, with internal and published modifications).

NM_207122.2(EXT2):c.1645C>T (p.Leu549=)

Gene: EXT2 (exostosin glycosyltransferase 2; plus strand). Cytogenetic location: 11p11.2.
Variant type: single nucleotide variant.
Coding change: c.1645C>T on transcript NM_207122.2 (MANE Select); coding-DNA position 1645, C replaced by T.
Protein change: p.Leu549=; no amino-acid change (leucine 549 retained).
Molecular consequence: synonymous variant.
Genome position (GRCh38, 1-based): chr11:44,206,942, C>T. VCF-style: chr11-44206942-C-T. GRCh37 (hg19) VCF-style: chr11-44228492-C-T.
Other names: c.1744C>T, p.Leu582= (NM_000401.3); c.1675C>T, p.Leu559= (NM_001178083.3); c.1645C>T, p.Leu549= (NM_001389628.1, NM_001389630.1).
Identifiers: ClinVar variation 290768 (VCV000290768.22), dbSNP rs142565472, ClinGen allele CA5955308.